The following is an entry in ClinVar:

ClinVar aggregate classification (germline): Uncertain significance (1 of 4 stars; one submission).

Allele frequency attached by ClinVar (database versions not stated): gnomAD exomes 0.00001; TOPMed 0.00001; gnomAD 0.00003.
gnomAD v4.1: 14 of 1,607,002 alleles (0.00087%); highest among the groups gnomAD compares: Admixed American, 0.013%; no homozygotes.

Submission:

Labcorp Genetics (formerly Invitae), Labcorp
Classification: Uncertain significance. Last evaluated: 2022-06-17. Review status: criteria provided, single submitter. Criteria: Invitae Variant Classification Sherloc (09022015). Collection method: clinical testing. Allele origin: germline.
Comment: This sequence change replaces serine, which is neutral and polar, with asparagine, which is neutral and polar, at codon 845 of the PTPN23 protein (p.Ser845Asn). This variant is present in population databases (no rsID available, gnomAD 0.007%). This variant has not been reported in the literature in individuals affected with PTPN23-related conditions. Algorithms developed to predict the effect of missense changes on protein structure and function output the following: SIFT: "Tolerated"; PolyPhen-2: "Not Available"; Align-GVGD: "Class C0". The asparagine amino acid residue is found in multiple mammalian species, which suggests that this missense change does not adversely affect protein function. Algorithms developed to predict the effect of sequence changes on RNA splicing suggest that this variant may disrupt the consensus splice site. In summary, the available evidence is currently insufficient to determine the role of this variant in disease. Therefore, it has been classified as a Variant of Uncertain Significance.

NM_015466.4(PTPN23):c.2534G>A (p.Ser845Asn)

Gene: PTPN23 (protein tyrosine phosphatase non-receptor type 23; plus strand). Cytogenetic location: 3p21.31.
Variant type: single nucleotide variant.
Coding change: c.2534G>A on transcript NM_015466.4 (MANE Select); coding-DNA position 2534, G replaced by A.
Protein change: p.Ser845Asn; replaces serine 845 with asparagine.
Molecular consequence: missense variant.
Genome position (GRCh38, 1-based): chr3:47,410,332, G>A. VCF-style: chr3-47410332-G-A. GRCh37 (hg19) VCF-style: chr3-47451822-G-A.
Other names: c.2156G>A, p.Ser719Asn (NM_001304482.2); short protein forms S719N, S845N.
Identifiers: ClinVar variation 1481301 (VCV001481301.3), dbSNP rs967686253, ClinGen allele CA73880359.